The following is an entry in ClinVar:

NM_001009944.3(PKD1):c.9379G>T (p.Gly3127Cys)

Gene: PKD1 (polycystin 1, transient receptor potential channel interacting; minus strand). Cytogenetic location: 16p13.3.
Variant type: single nucleotide variant.
Coding change: c.9379G>T on transcript NM_001009944.3 (MANE Select); coding-DNA position 9379, G replaced by T.
Protein change: p.Gly3127Cys; replaces glycine 3127 with cysteine.
Molecular consequence: missense variant.
Genome position (GRCh38, 1-based): chr16:2,102,079, C>A on the plus strand (G>T on the coding strand, the complement: PKD1 is on the minus strand). VCF-style: chr16-2102079-C-A. GRCh37 (hg19) VCF-style: chr16-2152080-C-A.
Other names: c.9379G>T, p.Gly3127Cys (NM_000296.4); short protein forms G3127C.
Identifiers: ClinVar variation 4070744 (VCV004070744.1).

ClinVar aggregate classification (germline): Uncertain significance (1 of 4 stars; one submission).

Submission:

GeneDx
Classification: Uncertain significance. Last evaluated: 2025-01-16. Review status: criteria provided, single submitter. Criteria: GeneDx Variant Classification Process June 2021. Collection method: clinical testing. Allele origin: germline. Affected: yes.
Comment: Not observed at significant frequency in large population cohorts (gnomAD); In silico analysis supports that this missense variant has a deleterious effect on protein structure/function; Has not been previously published as pathogenic or benign to our knowledge